The following is an entry in ClinVar:

ClinVar aggregate classification (germline): Uncertain significance. Review status: criteria provided, multiple submitters, no conflicts (2 of 4 stars). 3 submissions from 3 submitters: Uncertain significance (3). Last evaluated 2025-07-21.

Conditions:
Cardiovascular phenotype. Identifiers: MedGen CN230736.
X-linked myopathy with postural muscle atrophy. Also called: FHL1-Related Emery-Dreifuss Muscular Dystrophy, X-Linked. Identifiers: Orphanet 178461, MedGen C2678055, MONDO:0010401, OMIM 300696.

Allele frequency attached by ClinVar (database versions not stated): gnomAD exomes 0.00001; TOPMed 0.00001.
gnomAD v4.1: 15 of 1,212,438 alleles (0.0012%); highest among the groups gnomAD compares: Admixed American, 0.0022%; no homozygotes.

Submissions (3):

Ambry Genetics
Classification: Uncertain significance for Cardiovascular phenotype. Last evaluated: 2025-07-21. Review status: criteria provided, single submitter. Criteria: Ambry Variant Classification Scheme 2023. Collection method: clinical testing. Allele origin: germline.
Comment: The p.R44C variant (also known as c.130C>T), located in coding exon 1 of the FHL1 gene, results from a C to T substitution at nucleotide position 130. The arginine at codon 44 is replaced by cysteine, an amino acid with highly dissimilar properties. This amino acid position is conserved. In addition, the in silico prediction for this alteration is inconclusive. Since supporting evidence is limited at this time, the clinical significance of this alteration remains unclear.

Revvity Omics, Revvity
Classification: Uncertain significance. Last evaluated: 2025-04-14. Review status: criteria provided, single submitter. Criteria: ACMG Guidelines, 2015. Collection method: clinical testing. Allele origin: germline.

Labcorp Genetics (formerly Invitae), Labcorp
Classification: Uncertain significance for X-linked myopathy with postural muscle atrophy. Last evaluated: 2024-07-21. Review status: criteria provided, single submitter. Criteria: Invitae Variant Classification Sherloc (09022015). Collection method: clinical testing. Allele origin: germline.
Comment: This sequence change replaces arginine, which is basic and polar, with cysteine, which is neutral and slightly polar, at codon 44 of the FHL1 protein (p.Arg44Cys). This variant is not present in population databases (gnomAD no frequency). This variant has not been reported in the literature in individuals affected with FHL1-related conditions. ClinVar contains an entry for this variant (Variation ID: 1769623). An algorithm developed to predict the effect of missense changes on protein structure and function (PolyPhen-2) suggests that this variant is likely to be tolerated. In summary, the available evidence is currently insufficient to determine the role of this variant in disease. Therefore, it has been classified as a Variant of Uncertain Significance.

NM_001159699.2(FHL1):c.178C>T (p.Arg60Cys)

Gene: FHL1 (four and a half LIM domains 1; plus strand). Cytogenetic location: Xq26.3.
Variant type: single nucleotide variant.
Coding change: c.178C>T on transcript NM_001159699.2 (MANE Select); coding-DNA position 178, C replaced by T.
Protein change: p.Arg60Cys; replaces arginine 60 with cysteine.
Molecular consequence: missense variant. On other transcripts: non-coding transcript variant (1).
Genome position (GRCh38, 1-based): chrX:136,206,562, C>T. VCF-style: chrX-136206562-C-T. GRCh37 (hg19) VCF-style: chrX-135288721-C-T.
Other names: c.130C>T, p.Arg44Cys (NM_001159700.2, NM_001159702.3, NM_001159703.2 and 9 more transcripts); c.217C>T, p.Arg73Cys (NM_001159701.2); c.178C>T, p.Arg60Cys (NM_001330659.2); short protein forms R60C, R73C, R44C.
Identifiers: ClinVar variation 1769623 (VCV001769623.9), dbSNP rs1385440296, ClinGen allele CA414607808.